The following is an entry in ClinVar:

ClinVar aggregate classification (germline): Uncertain significance (1 of 4 stars; one submission).

Allele frequency attached by ClinVar (database versions not stated): ExAC 0.00001; gnomAD 0.00002; TOPMed 0.00002.
gnomAD v4.1: 15 of 1,613,376 alleles (0.00093%); highest among the groups gnomAD compares: East Asian, 0.0022%; no homozygotes.

Submission:

Labcorp Genetics (formerly Invitae), Labcorp
Classification: Uncertain significance. Last evaluated: 2025-08-24. Review status: criteria provided, single submitter. Criteria: Invitae Variant Classification Sherloc (09022015). Collection method: clinical testing. Allele origin: germline.
Comment: This sequence change creates a premature translational stop signal (p.Arg355*) in the RASA2 gene. It is expected to result in an absent or disrupted protein product. However, the current clinical and genetic evidence is not sufficient to establish whether loss-of-function variants in RASA2 cause disease. This variant is present in population databases (rs755848394, gnomAD 0.0009%). This variant has not been reported in the literature in individuals affected with RASA2-related conditions. ClinVar contains an entry for this variant (Variation ID: 2196891). Algorithms developed to predict the effect of sequence changes on RNA splicing suggest that this variant may disrupt the consensus splice site. In summary, the available evidence is currently insufficient to determine the role of this variant in disease. Therefore, it has been classified as a Variant of Uncertain Significance.

NM_006506.5(RASA2):c.1063C>T (p.Arg355Ter)

Gene: RASA2 (RAS p21 protein activator 2; plus strand). Cytogenetic location: 3q23.
Variant type: single nucleotide variant.
Coding change: c.1063C>T on transcript NM_006506.5 (MANE Select); coding-DNA position 1063, C replaced by T.
Protein change: p.Arg355Ter; replaces arginine 355 with a stop codon.
Molecular consequence: nonsense.
Genome position (GRCh38, 1-based): chr3:141,571,448, C>T. VCF-style: chr3-141571448-C-T. GRCh37 (hg19) VCF-style: chr3-141290290-C-T.
Other names: c.1063C>T, p.Arg355Ter (NM_001303245.3, NM_001303246.3); short protein forms R355*.
Identifiers: ClinVar variation 2196891 (VCV002196891.4), dbSNP rs755848394, ClinGen allele CA2645414.